The following is an entry in ClinVar:

ClinVar aggregate classification (germline): Uncertain significance (1 of 4 stars; one submission).

Conditions:
Neuroblastoma, susceptibility to, 3. Also called: ALK-Related Neuroblastic Tumor Susceptibility. Identifiers: Orphanet 635, MedGen C2751681, MONDO:0013083, OMIM 613014.

Submission:

Labcorp Genetics (formerly Invitae), Labcorp
Classification: Uncertain significance for Neuroblastoma, susceptibility to, 3. Last evaluated: 2016-07-09. Review status: criteria provided, single submitter. Criteria: Invitae Variant Classification Sherloc (09022015). Collection method: clinical testing. Allele origin: germline.
Comment: In summary, this variant is a novel missense change with uncertain impact on protein function and mRNA splicing. It has been classified as a Variant of Uncertain Significance. Algorithms developed to predict the effect of nucleotide changes on mRNA splicing suggest that this variant may alter mRNA splicing, but this prediction has not been confirmed by published transcriptional studies. Algorithms developed to predict the effect of missense changes on protein structure and function do not agree on the potential impact of this missense change (SIFT: "Deleterious"; PolyPhen-2: "Probably Damaging"; Align-GVGD: "Class C0"). This variant is not present in population databases (ExAC no frequency) and has not been reported in the literature in individuals with an ALK-related disease. This sequence change replaces tryptophan with cysteine at codon 1313 of the ALK protein (p.Trp1313Cys). The tryptophan residue is highly conserved and there is a large physicochemical difference between tryptophan and cysteine. It also falls at the first nucleotide of exon 27 of the ALK coding sequence.

NM_004304.5(ALK):c.3939G>T (p.Trp1313Cys)

Gene: ALK (ALK receptor tyrosine kinase; minus strand). Cytogenetic location: 2p23.2.
Variant type: single nucleotide variant.
Coding change: c.3939G>T on transcript NM_004304.5 (MANE Select); coding-DNA position 3939, G replaced by T.
Protein change: p.Trp1313Cys; replaces tryptophan 1313 with cysteine.
Molecular consequence: missense variant.
Genome position (GRCh38, 1-based): chr2:29,197,676, C>A on the plus strand (G>T on the coding strand, the complement: ALK is on the minus strand). VCF-style: chr2-29197676-C-A. GRCh37 (hg19) VCF-style: chr2-29420542-C-A.
Other names: c.735G>T, p.Trp245Cys (NM_001353765.2); short protein forms W1313C, W245C.
Identifiers: ClinVar variation 404345 (VCV000404345.8), dbSNP rs1060500218, ClinGen allele CA16610886.